The following is an entry in ClinVar:

ClinVar aggregate classification (germline): Uncertain significance (1 of 4 stars; one submission).

gnomAD v4.1: 1 of 1,612,292 alleles (0.000062%); highest among the groups gnomAD compares: Non-Finnish European, 0.000085%; no homozygotes.

Submission:

Labcorp Genetics (formerly Invitae), Labcorp
Classification: Uncertain significance. Last evaluated: 2024-06-05. Review status: criteria provided, single submitter. Criteria: Invitae Variant Classification Sherloc (09022015). Collection method: clinical testing. Allele origin: germline.
Comment: This sequence change replaces alanine, which is neutral and non-polar, with glycine, which is neutral and non-polar, at codon 795 of the TAOK2 protein (p.Ala795Gly). This variant is not present in population databases (gnomAD no frequency). This variant has not been reported in the literature in individuals affected with TAOK2-related conditions. An algorithm developed to predict the effect of missense changes on protein structure and function (PolyPhen-2) suggests that this variant is likely to be tolerated. In summary, the available evidence is currently insufficient to determine the role of this variant in disease. Therefore, it has been classified as a Variant of Uncertain Significance.

NM_016151.4(TAOK2):c.2384C>G (p.Ala795Gly)

Gene: TAOK2 (TAO kinase 2; plus strand). Cytogenetic location: 16p11.2.
Variant type: single nucleotide variant.
Coding change: c.2384C>G on transcript NM_016151.4 (MANE Select); coding-DNA position 2384, C replaced by G.
Protein change: p.Ala795Gly; replaces alanine 795 with glycine.
Molecular consequence: missense variant. On other transcripts: intron variant (2).
Genome position (GRCh38, 1-based): chr16:29,986,656, C>G. VCF-style: chr16-29986656-C-G. GRCh37 (hg19) VCF-style: chr16-29997977-C-G.
Other names: c.2232+152C>G (NM_004783.4, NM_001252043.2); short protein forms A795G.
Identifiers: ClinVar variation 3655643 (VCV003655643.2).
Genomic context (GRCh38, chr16:29,986,656, plus strand): 5'-CCTGCTCACCTGGCCAGGAGGCAGTCCTGGACCAAAGAATGCTTGGCGAGGAGGAGGAAG[C>G]AGTTGGAGAGAGAAGGATTCTGGGAAAGGAAGGGGCCACTTTGGAGCCCAAGCAGCAGAG-3'
Protein context (NP_057235.2, residues 785-805): DQRMLGEEEE[Ala795Gly]VGERRILGKE